The following is an entry in ClinVar:

NM_007348.4(ATF6):c.1393C>T (p.Pro465Ser)

Gene: ATF6 (activating transcription factor 6; plus strand). Cytogenetic location: 1q23.3.
Variant type: single nucleotide variant.
Coding change: c.1393C>T on transcript NM_007348.4 (MANE Select); coding-DNA position 1393, C replaced by T.
Protein change: p.Pro465Ser; replaces proline 465 with serine.
Molecular consequence: missense variant.
Genome position (GRCh38, 1-based): chr1:161,851,795, C>T. VCF-style: chr1-161851795-C-T. GRCh37 (hg19) VCF-style: chr1-161821585-C-T.
Other names: c.1393C>T, p.Pro465Ser (NM_001410890.1); short protein forms P465S.
Identifiers: ClinVar variation 1922985 (VCV001922985.5), dbSNP rs764225071, ClinGen allele CA1214454.

ClinVar aggregate classification (germline): Uncertain significance (1 of 4 stars; one submission).

Allele frequency attached by ClinVar (database versions not stated): ExAC 0.00001.
gnomAD v4.1: 19 of 1,613,854 alleles (0.0012%); highest among the groups gnomAD compares: Non-Finnish European, 0.0015%; no homozygotes.

Submission:

Labcorp Genetics (formerly Invitae), Labcorp
Classification: Uncertain significance. Last evaluated: 2022-08-12. Review status: criteria provided, single submitter. Criteria: Invitae Variant Classification Sherloc (09022015). Collection method: clinical testing. Allele origin: germline.
Comment: This variant has not been reported in the literature in individuals affected with ATF6-related conditions. This variant is present in population databases (rs764225071, gnomAD 0.0009%). This sequence change replaces proline, which is neutral and non-polar, with serine, which is neutral and polar, at codon 465 of the ATF6 protein (p.Pro465Ser). In summary, the available evidence is currently insufficient to determine the role of this variant in disease. Therefore, it has been classified as a Variant of Uncertain Significance. Algorithms developed to predict the effect of missense changes on protein structure and function are either unavailable or do not agree on the potential impact of this missense change (SIFT: "Deleterious"; PolyPhen-2: "Probably Damaging"; Align-GVGD: "Class C0").